The following is an entry in ClinVar:

ClinVar aggregate classification (germline): Uncertain significance (1 of 4 stars; one submission).

Allele frequency attached by ClinVar (database versions not stated): ESP Exome Variant Server 0.00025; 1000 Genomes Project 30x 0.00031.
gnomAD v4.1: 694 of 1,613,516 alleles (0.043%); highest among the groups gnomAD compares: Non-Finnish European, 0.054%; 1 homozygote.

Submission:

Ambry Genetics
Classification: Uncertain significance. Last evaluated: 2026-02-20. Review status: criteria provided, single submitter. Criteria: Ambry Variant Classification Scheme 2023. Collection method: clinical testing. Allele origin: germline.
Comment: The c.2188A>T (p.M730L) alteration is located in exon 5 (coding exon 4) of the FILIP1L gene. This alteration results from a A to T substitution at nucleotide position 2188, causing the methionine (M) at amino acid position 730 to be replaced by a leucine (L). Based on data from gnomAD, the T allele has an overall frequency of 0.028% (78/279954) total alleles studied. The highest observed frequency was 0.048% (17/35218) of Latino alleles. Based on insufficient or conflicting evidence, the clinical significance of this alteration remains unclear.

Literature cited by the submitters: PubMed 28106320.

NM_001387850.1(FILIP1L):c.2188A>T (p.Met730Leu)

Genes: FILIP1L (filamin A interacting protein 1 like; minus strand), CMSS1 (cms1 ribosomal small subunit homolog; plus strand), LOC105374010 (uncharacterized LOC105374010; plus strand). Cytogenetic location: 3q12.1.
Variant type: single nucleotide variant.
Coding change: c.2188A>T on transcript NM_001387850.1 (MANE Select); coding-DNA position 2188, A replaced by T.
Protein change: p.Met730Leu; replaces methionine 730 with leucine.
Molecular consequence: missense variant. On other transcripts: intron variant (2).
Genome position (GRCh38, 1-based): chr3:99,849,488, T>A on the plus strand (A>T on the coding strand, the complement: FILIP1L is on the minus strand). VCF-style: chr3-99849488-T-A. GRCh37 (hg19) VCF-style: chr3-99568332-T-A.
Other names: c.2188A>T, p.Met730Leu (NM_001042459.3, NM_182909.4); c.916A>T, p.Met306Leu (NM_001282793.2); c.1468A>T, p.Met490Leu (NM_001282794.2, NM_001370247.1, NM_001387851.1 and 1 more transcripts); c.64+31445T>A (NM_032359.4); c.606-18883A>T (NM_001387852.1); short protein forms M306L, M490L, M730L.
Identifiers: ClinVar variation 2359171 (VCV002359171.3), dbSNP rs142569410, ClinGen allele CA2513475.